The following is an entry in ClinVar:

NM_001164508.2(NEB):c.24185_24192dup (p.Glu8065fs)

Genes: NEB (nebulin; minus strand), RIF1 (replication timing regulatory factor 1; plus strand). Cytogenetic location: 2q23.3.
Variant type: Duplication.
Coding change: c.24185_24192dup on transcript NM_001164508.2 (MANE Select); coding-DNA positions 24185 to 24192, 8 bases duplicated (ACAATCAA; older notation c.24185_24192dupACAATCAA).
Protein change: p.Glu8065fs; shifts the reading frame from glutamic acid 8065.
Molecular consequence: frameshift variant. On other transcripts: intron variant (1).
Genome position (GRCh38, 1-based): chr2:151,498,275-151,498,282, TTGATTGT duplicated on the plus strand (ACAATCAA on the coding strand, the reverse complement: NEB is on the minus strand). VCF-style (leftmost placement, unchanged base first): chr2-151498274-C-CTTGATTGT. GRCh37 (hg19) VCF-style: chr2-152354788-C-CTTGATTGT.
Other names: c.24185_24192dup, p.Glu8065fs (NM_001164507.2); c.24290_24297dup, p.Glu8100fs (NM_001271208.2); c.18826-1914_18826-1907dup (NM_004543.5); short protein forms E8065fs, E8100fs.
Identifiers: ClinVar variation 4814764 (VCV004814764.1).

ClinVar aggregate classification (germline): Likely pathogenic (1 of 4 stars; one submission).

Conditions:
Nemaline myopathy 2 (NEM2). Also called: Nemaline myopathy 2, autosomal recessive. Identifiers: MedGen C1850569, MONDO:0009725, OMIM 256030.

Submission:

Natera, Inc.
Classification: Likely pathogenic for Nemaline myopathy type 2. Last evaluated: 2024-10-22. Review status: criteria provided, single submitter. Criteria: Natera Variant Classification Schema (03/2026). Collection method: clinical testing. Allele origin: germline.
Comment: The c.24290_24297dup variant in NEB is a frameshift variant predicted to shift the reading frame beginning at codon 8100 and leads to a stop codon 83 codons downstream. This variant is expected to result in nonsense mediated decay, truncation, or a dysfunctional protein product. This variant is rare in the general population with a frequency below the threshold expected for the associated phenotype(s). Given the available evidence, this variant is classified as Likely Pathogenic.